The following is an entry in ClinVar:

NM_001040436.3(YARS2):c.1203T>C (p.Phe401=)

Gene: YARS2 (tyrosyl-tRNA synthetase 2; minus strand). Cytogenetic location: 12p11.21.
Variant type: single nucleotide variant.
Coding change: c.1203T>C on transcript NM_001040436.3 (MANE Select); coding-DNA position 1203, T replaced by C.
Protein change: p.Phe401=; no amino-acid change (phenylalanine 401 retained).
Molecular consequence: synonymous variant.
Genome position (GRCh38, 1-based): chr12:32,750,008, A>G on the plus strand (T>C on the coding strand, the complement: YARS2 is on the minus strand). VCF-style: chr12-32750008-A-G. GRCh37 (hg19) VCF-style: chr12-32902942-A-G.
Identifiers: ClinVar variation 4822721 (VCV004822721.4).

ClinVar aggregate classification (germline): Likely benign (1 of 4 stars; one submission).

Submission:

CeGaT Center for Human Genetics Tuebingen
Classification: Likely benign. Last evaluated: 2026-02-01. Review status: criteria provided, single submitter. Criteria: CeGaT Center For Human Genetics Tuebingen Variant Classification Criteria Version 2. Collection method: clinical testing. Allele origin: germline. Affected: yes. Observed: 1 variant allele.
Comment: YARS2: PM2:Supporting, BP4, BP7